The following is an entry in ClinVar:

NM_000548.5(TSC2):c.22G>A (p.Asp8Asn)

Gene: TSC2 (TSC complex subunit 2; plus strand). Cytogenetic location: 16p13.3.
Variant type: single nucleotide variant.
Coding change: c.22G>A on transcript NM_000548.5 (MANE Select); coding-DNA position 22, G replaced by A.
Protein change: p.Asp8Asn; replaces aspartic acid 8 with asparagine.
Molecular consequence: missense variant. On other transcripts: 5 prime UTR variant (1), intron variant (1).
Genome position (GRCh38, 1-based): chr16:2,048,637, G>A. VCF-style: chr16-2048637-G-A. GRCh37 (hg19) VCF-style: chr16-2098638-G-A.
Other names: c.22G>A, p.Asp8Asn (NM_001077183.3, NM_001114382.3, NM_001318827.2 and 4 more transcripts); c.-205G>A (NM_001318831.2); c.55G>A, p.Asp19Asn (NM_001318832.2); c.-10+572G>A (NM_001318829.2); short protein forms D19N, D8N.
Identifiers: ClinVar variation 644667 (VCV000644667.8), dbSNP rs1596233815, ClinGen allele CA394300630.

ClinVar aggregate classification (germline): Uncertain significance (1 of 4 stars; one submission).

Conditions:
Tuberous sclerosis 2 (TSC2). Identifiers: Orphanet 805, MedGen C1860707, MONDO:0013199, OMIM 613254.

Submission:

Labcorp Genetics (formerly Invitae), Labcorp
Classification: Uncertain significance for Tuberous sclerosis 2. Last evaluated: 2023-03-11. Review status: criteria provided, single submitter. Criteria: Invitae Variant Classification Sherloc (09022015). Collection method: clinical testing. Allele origin: germline.
Comment: In summary, the available evidence is currently insufficient to determine the role of this variant in disease. Therefore, it has been classified as a Variant of Uncertain Significance. Advanced modeling of protein sequence and biophysical properties (such as structural, functional, and spatial information, amino acid conservation, physicochemical variation, residue mobility, and thermodynamic stability) performed at Invitae indicates that this missense variant is not expected to disrupt TSC2 protein function. ClinVar contains an entry for this variant (Variation ID: 644667). This variant has not been reported in the literature in individuals affected with TSC2-related conditions. This variant is not present in population databases (gnomAD no frequency). This sequence change replaces aspartic acid, which is acidic and polar, with asparagine, which is neutral and polar, at codon 8 of the TSC2 protein (p.Asp8Asn).